The following is an entry in ClinVar:

ClinVar aggregate classification (germline): Uncertain significance (1 of 4 stars; one submission).

Conditions:
Tuberous sclerosis 2 (TSC2). Identifiers: Orphanet 805, MedGen C1860707, MONDO:0013199, OMIM 613254.

Submission:

Labcorp Genetics (formerly Invitae), Labcorp
Classification: Uncertain significance for Tuberous sclerosis 2. Last evaluated: 2022-08-22. Review status: criteria provided, single submitter. Criteria: Invitae Variant Classification Sherloc (09022015). Collection method: clinical testing. Allele origin: germline.
Comment: In summary, the available evidence is currently insufficient to determine the role of this variant in disease. Therefore, it has been classified as a Variant of Uncertain Significance. Advanced modeling of protein sequence and biophysical properties (such as structural, functional, and spatial information, amino acid conservation, physicochemical variation, residue mobility, and thermodynamic stability) performed at Invitae indicates that this missense variant is not expected to disrupt TSC2 protein function. ClinVar contains an entry for this variant (Variation ID: 1000624). This variant has not been reported in the literature in individuals affected with TSC2-related conditions. This variant is not present in population databases (gnomAD no frequency). This sequence change replaces aspartic acid, which is acidic and polar, with histidine, which is basic and polar, at codon 1465 of the TSC2 protein (p.Asp1465His).

NM_000548.5(TSC2):c.4393G>C (p.Asp1465His)

Gene: TSC2 (TSC complex subunit 2; plus strand). Cytogenetic location: 16p13.3.
Variant type: single nucleotide variant.
Coding change: c.4393G>C on transcript NM_000548.5 (MANE Select); coding-DNA position 4393, G replaced by C.
Protein change: p.Asp1465His; replaces aspartic acid 1465 with histidine.
Molecular consequence: missense variant.
Genome position (GRCh38, 1-based): chr16:2,084,615, G>C. VCF-style: chr16-2084615-G-C. GRCh37 (hg19) VCF-style: chr16-2134616-G-C.
Other names: c.4192G>C, p.Asp1398His (NM_001077183.3); c.4324G>C, p.Asp1442His (NM_001114382.3); c.4084G>C, p.Asp1362His (NM_001318827.2); c.4048G>C, p.Asp1350His (NM_001318829.2); c.3661G>C, p.Asp1221His (NM_001318831.2); c.4225G>C, p.Asp1409His (NM_001318832.2); c.4195G>C, p.Asp1399His (NM_001363528.2); c.4261G>C, p.Asp1421His (NM_001370404.1); and 1 more; short protein forms D1221H, D1350H, D1362H, D1398H, D1399H, D1409H, D1421H, D1422H.
Identifiers: ClinVar variation 1000624 (VCV001000624.8), dbSNP rs1425542648, ClinGen allele CA394301902.
Genomic context (GRCh38, chr16:2,084,615, plus strand): 5'-TTGCCTTCCAGCTCCCCCCGCTCGCCCAGTGGCCTCCGGCCCCGAGGTTACACCATCTCC[G>C]ACTCGGCCCCATCACGCAGGGGCAAGAGAGTAGAGAGGGACGCCTTAAAGAGCAGAGCCA-3'
Protein context (NP_000539.2, residues 1455-1475): GLRPRGYTIS[Asp1465His]SAPSRRGKRV